The following is an entry in ClinVar:

ClinVar aggregate classification (germline): Pathogenic. Review status: reviewed by expert panel (3 of 4 stars). 7 submissions from 7 submitters: Pathogenic (1). 6 of the submissions do not count toward it. Last evaluated 2016-09-08.

Conditions:
Hereditary cancer-predisposing syndrome. Also called: Tumor predisposition; Hereditary Cancer Syndrome; Neoplastic Syndromes, Hereditary; Hereditary neoplastic syndrome. Identifiers: Orphanet 140162, MedGen C0027672, MeSH D009386, MONDO:0015356.
Hereditary breast ovarian cancer syndrome. Also called: Hereditary breast and ovarian cancer; Breast and ovarian cancer; Hereditary breast and/or ovarian cancer syndrome; BRCA1- and BRCA2-Associated Hereditary Breast and Ovarian Cancer; Hereditary breast and ovarian cancer syndrome; Hereditary breast and ovarian cancer syndrome (HBOC). Identifiers: Orphanet 145, MedGen C0677776, MeSH D061325, MONDO:0003582. Disease mechanism: loss of function.
Breast-ovarian cancer, familial, susceptibility to, 2 (BROVCA2). Also called: BRCA2 Hereditary Breast and Ovarian Cancer. Identifiers: Orphanet 145, MedGen C2675520, MONDO:0012933, OMIM 612555. Disease mechanism: loss of function.
Familial cancer of breast. Also called: BREAST CANCER, FAMILIAL; Hereditary breast cancer; hereditary breast carcinoma. Identifiers: Orphanet 227535, MedGen C0346153, MONDO:0016419, OMIM 114480. Disease mechanism: loss of function.

Submissions (7):

Evidence-based Network for the Interpretation of Germline Mutant Alleles (ENIGMA)
Classification: Pathogenic for Breast-ovarian cancer, familial, susceptibility to, 2. Last evaluated: 2016-09-08. Review status: reviewed by expert panel. Criteria: ENIGMA BRCA1/2 Classification Criteria (2015). Collection method: curation. Allele origin: germline.
Comment: Variant allele predicted to encode a truncated non-functional protein.

Labcorp Genetics (formerly Invitae), Labcorp
Classification: Pathogenic for Hereditary breast ovarian cancer syndrome. Last evaluated: 2025-12-29. Review status: criteria provided, single submitter. Criteria: Invitae Variant Classification Sherloc (09022015). Collection method: clinical testing. Allele origin: germline. Not counted in ClinVar's aggregate classification.
Comment: This sequence change creates a premature translational stop signal (p.Asn2145Ilefs*23) in the BRCA2 gene. It is expected to result in an absent or disrupted protein product. Loss-of-function variants in BRCA2 are known to be pathogenic (PMID: 20104584). This variant is not present in population databases (gnomAD no frequency). This premature translational stop signal has been observed in individual(s) with increased risk of breast and ovarian cancers (PMID: 29446198). ClinVar contains an entry for this variant (Variation ID: 254582). For these reasons, this variant has been classified as Pathogenic.

Molecular Pathology, Peter Maccallum Cancer Centre
Classification: Pathogenic for Breast-ovarian cancer, familial, susceptibility to, 2. Last evaluated: 2024-11-11. Review status: criteria provided, single submitter. Criteria: ACMG Guidelines, 2015. Collection method: clinical testing. Allele origin: germline. Inheritance: Autosomal dominant inheritance. Not counted in ClinVar's aggregate classification.

Ambry Genetics
Classification: Pathogenic for Hereditary cancer-predisposing syndrome. Last evaluated: 2021-06-30. Review status: criteria provided, single submitter. Criteria: Ambry Variant Classification Scheme 2023. Collection method: clinical testing. Allele origin: germline. Not counted in ClinVar's aggregate classification.
Comment: The c.6434delA pathogenic mutation, located in coding exon 10 of the BRCA2 gene, results from a deletion of one nucleotide at nucleotide position 6434, causing a translational frameshift with a predicted alternate stop codon (p.N2145Ifs*23). This alteration was identified in a large, worldwide study of BRCA1/2 mutation positive families (Rebbeck TR et al. Hum Mutat, 2018 05;39:593-620). In addition to the clinical data presented in the literature, this alteration is expected to result in loss of function by premature protein truncation or nonsense-mediated mRNA decay. As such, this alteration is interpreted as a disease-causing mutation.

Baylor Genetics
Classification: Likely pathogenic for Familial cancer of breast. Last evaluated: 2020-12-31. Review status: criteria provided, single submitter. Criteria: ACMG Guidelines, 2015. Collection method: clinical testing. Allele origin: unknown. Not counted in ClinVar's aggregate classification.

Consortium of Investigators of Modifiers of BRCA1/2 (CIMBA), c/o University of Cambridge
Classification: Pathogenic for Breast-ovarian cancer, familial, susceptibility to, 2. Last evaluated: 2015-10-02. Review status: criteria provided, single submitter. Criteria: CIMBA Mutation Classification guidelines May 2016. Collection method: clinical testing. Allele origin: germline. Not counted in ClinVar's aggregate classification.

Breast Cancer Information Core (BIC) (BRCA2)
Classification: Pathogenic for Breast-ovarian cancer, familial 2. Last evaluated: 2004-02-20. Review status: no assertion criteria provided. Collection method: clinical testing. Allele origin: germline. Affected: yes. Observed: 1 variant allele. Not counted in ClinVar's aggregate classification.

Literature cited by the submitters: PubMed 20104584 (cited by Labcorp Genetics (formerly Invitae), Labcorp); PubMed 29446198 (cited by Labcorp Genetics (formerly Invitae), Labcorp and Ambry Genetics).

NM_000059.4(BRCA2):c.6434del (p.Asn2145fs)

Gene: BRCA2 (BRCA2 DNA repair associated; plus strand). Cytogenetic location: 13q13.1.
Variant type: Deletion.
Coding change: c.6434del on transcript NM_000059.4 (MANE Select); coding-DNA position 6434, one base deleted (A; older notation c.6434delA).
Protein change: p.Asn2145fs; shifts the reading frame from asparagine 2145.
Molecular consequence: frameshift variant.
Genome position (GRCh38, 1-based): chr13:32,340,789, A deleted; the last of 4 consecutive A bases (chr13:32,340,786-32,340,789); deleting any one gives the same sequence. VCF-style (leftmost placement, unchanged base first): chr13-32340785-GA-G. GRCh37 (hg19) VCF-style: chr13-32914922-GA-G.
Other names: 6659delA; c.6434delA (NM_000059.3).
Identifiers: ClinVar variation 254582 (VCV000254582.12), dbSNP rs80359587, ClinGen allele CA024024.